The following is an entry in ClinVar:

ClinVar aggregate classification (germline): Pathogenic (1 of 4 stars; one submission).

Conditions:
Cardiovascular phenotype. Identifiers: MedGen CN230736.

Submission:

Ambry Genetics
Classification: Pathogenic for Cardiovascular phenotype. Last evaluated: 2026-05-26. Review status: criteria provided, single submitter. Criteria: Ambry Variant Classification Scheme 2023. Collection method: clinical testing. Allele origin: germline.
Comment: The c.8103_8136del34 pathogenic mutation, located in coding exon 22 of the TNXB gene, results from a deletion of 34 nucleotides at nucleotide positions 8103 to 8136, causing a translational frameshift with a predicted alternate stop codon (p.G2702*). This variant is considered to be rare based on population cohorts in the Genome Aggregation Database (gnomAD). This alteration is expected to result in loss of function by premature protein truncation or nonsense-mediated mRNA decay. As such, this alteration is interpreted as a disease-causing mutation.

NM_001365276.2(TNXB):c.8103_8136del (p.Gly2701_Gly2702insTer)

Gene: TNXB (tenascin XB; minus strand). Cytogenetic location: 6p21.33.
Variant type: Deletion.
Coding change: c.8103_8136del on transcript NM_001365276.2 (MANE Select); coding-DNA positions 8103 to 8136, 34 bases deleted.
Protein change: p.Gly2701_Gly2702insTer.
Molecular consequence: frameshift variant.
Genome position (GRCh38, 1-based): chr6:32,056,593-32,056,626, 34 bases deleted; deleting any 34 consecutive bases within chr6:32,056,593-32,056,628 gives the same sequence; the c. name uses the placement nearest the transcript's 3' end. GRCh37 (hg19): chr6:32,024,372-32,024,405.
Other names: c.8844_8877del, p.Gly2948_Gly2949insTer (NM_001428335.1); c.8103_8136del, p.Gly2701_Gly2702insTer (NM_019105.8).
Identifiers: ClinVar variation 4865835 (VCV004865835.1).